The following is an entry in ClinVar:

NM_145290.4(ADGRA3):c.545+5G>A

Gene: ADGRA3 (adhesion G protein-coupled receptor A3; minus strand). Cytogenetic location: 4p15.2.
Variant type: single nucleotide variant.
Coding change: c.545+5G>A on transcript NM_145290.4 (MANE Select); 5 bases into the intron after coding-DNA position 545, G replaced by A.
Molecular consequence: intron variant.
Genome position (GRCh38, 1-based): chr4:22,447,435, C>T on the plus strand (G>A on the coding strand, the complement: ADGRA3 is on the minus strand). VCF-style: chr4-22447435-C-T. GRCh37 (hg19) VCF-style: chr4-22449058-C-T.
Identifiers: ClinVar variation 3003695 (VCV003003695.3), dbSNP rs1235390202, ClinGen allele CA550272902.

ClinVar aggregate classification (germline): Uncertain significance (1 of 4 stars; one submission).

Allele frequency attached by ClinVar (database versions not stated): gnomAD exomes below 0.00001.
gnomAD v4.1: 1 of 1,472,972 alleles (0.000068%); highest among the groups gnomAD compares: East Asian, 0.0024%; no homozygotes.

Submission:

Labcorp Genetics (formerly Invitae), Labcorp
Classification: Uncertain significance. Last evaluated: 2026-01-24. Review status: criteria provided, single submitter. Criteria: Invitae Variant Classification Sherloc (09022015). Collection method: clinical testing. Allele origin: germline.
Comment: This sequence change falls in intron 5 of the ADGRA3 gene. It does not directly change the encoded amino acid sequence of the ADGRA3 protein. It affects a nucleotide within the consensus splice site. This variant is present in population databases (no rsID available, gnomAD 0.008%). This variant has not been reported in the literature in individuals affected with ADGRA3-related conditions. ClinVar contains an entry for this variant (Variation ID: 3003695). Variants that disrupt the consensus splice site are a relatively common cause of aberrant splicing (PMID: 17576681, 9536098). Algorithms developed to predict the effect of sequence changes on RNA splicing suggest that this variant may disrupt the consensus splice site. In summary, the available evidence is currently insufficient to determine the role of this variant in disease. Therefore, it has been classified as a Variant of Uncertain Significance.

Literature cited by the submitters: PubMed 17576681; PubMed 9536098.